The following is an entry in ClinVar:

ClinVar aggregate classification (germline): Uncertain significance (1 of 4 stars; one submission).

Conditions:
SLC34A1-related disorder. Also called: SLC34A1-related condition; SLC34A1-related disorders.

gnomAD v4.1: 64 of 1,613,788 alleles (0.004%); highest among the groups gnomAD compares: Non-Finnish European, 0.0053%; no homozygotes.

Submission:

PreventionGenetics, part of Exact Sciences
Classification: Uncertain significance for SLC34A1-related condition. Last evaluated: 2024-12-03. Review status: criteria provided, single submitter. Criteria: ACMG Guidelines, 2015. Collection method: clinical testing. Allele origin: germline.
Comment: The SLC34A1 c.1174G>T variant is predicted to result in the amino acid substitution p.Asp392Tyr. Of note, this variant occurs at the last nucleotide of the exon and is predicted to alter splicing based on available splicing prediction programs (SpliceAI, Jaganathan et al. 2019. PubMed ID: 30661751). However, the use of computer prediction programs is not equivalent to functional evidence. To our knowledge, this variant has not been reported in the literature. This variant is reported in 0.0036% of alleles in individuals of European (non-Finnish) descent in gnomAD. At this time, the clinical significance of this variant is uncertain due to the absence of conclusive functional and genetic evidence.

NM_003052.5(SLC34A1):c.1174G>T (p.Asp392Tyr)

Gene: SLC34A1 (solute carrier family 34 member 1; plus strand). Cytogenetic location: 5q35.3.
Variant type: single nucleotide variant.
Coding change: c.1174G>T on transcript NM_003052.5 (MANE Select); coding-DNA position 1174, G replaced by T.
Protein change: p.Asp392Tyr; replaces aspartic acid 392 with tyrosine.
Molecular consequence: missense variant.
Genome position (GRCh38, 1-based): chr5:177,394,195, G>T. VCF-style: chr5-177394195-G-T. GRCh37 (hg19) VCF-style: chr5-176821196-G-T.
Other names: short protein forms D392Y.
Identifiers: ClinVar variation 4977853 (VCV004977853.1).